The following is an entry in ClinVar:

NM_005157.6(ABL1):c.511G>A (p.Val171Met)

Gene: ABL1 (ABL proto-oncogene 1, non-receptor tyrosine kinase; plus strand). Cytogenetic location: 9q34.12.
Variant type: single nucleotide variant.
Coding change: c.511G>A on transcript NM_005157.6 (MANE Select); coding-DNA position 511, G replaced by A.
Protein change: p.Val171Met; replaces valine 171 with methionine.
Molecular consequence: missense variant.
Genome position (GRCh38, 1-based): chr9:130,855,058, G>A. VCF-style: chr9-130855058-G-A. GRCh37 (hg19) VCF-style: chr9-133730445-G-A.
Other names: c.568G>A, p.Val190Met (NM_007313.3); short protein forms V171M, V190M.
Identifiers: ClinVar variation 4874564 (VCV004874564.2).

ClinVar aggregate classification (germline): Uncertain significance (1 of 4 stars; one submission).

Submission:

CeGaT Center for Human Genetics Tuebingen
Classification: Uncertain significance. Last evaluated: 2026-06-01. Review status: criteria provided, single submitter. Criteria: CeGaT Center For Human Genetics Tuebingen Variant Classification Criteria Version 2. Collection method: clinical testing. Allele origin: germline. Affected: yes. Observed: 1 variant allele.
Comment: ABL1: PM2, PP3